The following is an entry in ClinVar:

NM_001377142.1(PLCB4):c.2936A>G (p.Gln979Arg)

Gene: PLCB4 (phospholipase C beta 4; plus strand). Cytogenetic location: 20p12.2.
Variant type: single nucleotide variant.
Coding change: c.2936A>G on transcript NM_001377142.1 (MANE Select); coding-DNA position 2936, A replaced by G.
Protein change: p.Gln979Arg; replaces glutamine 979 with arginine.
Molecular consequence: missense variant.
Genome position (GRCh38, 1-based): chr20:9,453,402, A>G. VCF-style: chr20-9453402-A-G. GRCh37 (hg19) VCF-style: chr20-9434049-A-G.
Other names: c.2900A>G, p.Gln967Arg (NM_000933.4, NM_001377134.2, NM_001377135.1 and 2 more transcripts); c.2936A>G, p.Gln979Arg (NM_001172646.2, NM_001377143.1); short protein forms Q967R, Q979R.
Identifiers: ClinVar variation 339586 (VCV000339586.11), dbSNP rs141568926, ClinGen allele CA9761542.

ClinVar aggregate classification (germline): Benign/Likely benign. Review status: criteria provided, multiple submitters, no conflicts (2 of 4 stars). 3 submissions from 3 submitters: Benign (1); Likely benign (2). Last evaluated 2025-06-02.

Conditions:
Auriculocondylar syndrome 2 (ARCND2A). Also called: AURICULOCONDYLAR SYNDROME 2A. Identifiers: Orphanet 137888, MedGen C3553404, MONDO:0013845, OMIM 614669.

Allele frequency attached by ClinVar (database versions not stated): ExAC 0.00050; gnomAD 0.00058; gnomAD exomes 0.00059 and 0.00092; ESP Exome Variant Server 0.00069; TOPMed 0.00076.
gnomAD v4.1: 1,433 of 1,613,046 alleles (0.089%); highest among the groups gnomAD compares: Non-Finnish European, 0.11%; no homozygotes.

Submissions (5):

Labcorp Genetics (formerly Invitae), Labcorp
Classification: Likely benign. Last evaluated: 2025-06-02. Review status: criteria provided, single submitter. Criteria: Invitae Variant Classification Sherloc (09022015). Collection method: clinical testing. Allele origin: germline.

Blueprint Genetics
Classification: Likely benign. Last evaluated: 2024-10-10. Review status: criteria provided, single submitter. Criteria: ACMG Guidelines, 2015. Collection method: clinical testing. Allele origin: germline.

Illumina Laboratory Services, Illumina
Classification: Benign for Auriculocondylar syndrome 2. Last evaluated: 2018-01-13. Review status: criteria provided, single submitter. Criteria: ICSL Variant Classification Criteria 13 December 2019. Collection method: clinical testing. Allele origin: germline.
Comment: This variant was observed in the ICSL laboratory as part of a predisposition screen in an ostensibly healthy population. It had not been previously curated by ICSL or reported in the Human Gene Mutation Database (HGMD: prior to June 1st, 2018), and was therefore a candidate for classification through an automated scoring system. Utilizing variant allele frequency, disease prevalence and penetrance estimates, and inheritance mode, an automated score was calculated to assess if this variant is too frequent to cause the disease. Based on the score and internal cut-off values, a variant classified as benign is not then subjected to further curation. The score for this variant resulted in a classification of benign for this disease.

Dr. Peter K. Rogan Lab, Western University
No classification provided (evidence only). Condition: Ovarian serous cystadenocarcinoma. Review status: no classification provided. Collection method: in vitro. Allele origin: not applicable. Functional consequence: retained intron. Not counted in ClinVar's aggregate classification.

Dr. Peter K. Rogan Lab, Western University
No classification provided (evidence only). Condition: Uveal melanoma. Review status: no classification provided. Collection method: in vitro. Allele origin: not applicable. Functional consequence: retained intron. Not counted in ClinVar's aggregate classification.